The following is an entry in ClinVar:

ClinVar aggregate classification (germline): Conflicting classifications of pathogenicity. Review status: criteria provided, conflicting classifications (1 of 4 stars). 2 submissions from 2 submitters: Pathogenic (1); Uncertain significance (1). Last evaluated 2025-12-02.

Conditions:
Marfan syndrome (MFS). Also called: MARFAN SYNDROME, TYPE I; Marfan syndrome type 1; Marfan's syndrome; Marfan syndrome, classic; FBN1-Related Marfan Syndrome. Identifiers: Orphanet 284963, Orphanet 558, MedGen C0024796, MONDO:0007947, OMIM 154700.
Familial thoracic aortic aneurysm and aortic dissection (TAAD). Also called: Thoracic aortic aneurysms and dissections. Identifiers: Orphanet 91387, MedGen C4707243, MONDO:0019625.

Submissions (2):

Labcorp Genetics (formerly Invitae), Labcorp
Classification: Uncertain significance for Marfan syndrome; Familial thoracic aortic aneurysm and aortic dissection. Last evaluated: 2025-12-02. Review status: criteria provided, single submitter. Criteria: Invitae Variant Classification Sherloc (09022015). Collection method: clinical testing. Allele origin: germline.
Comment: This sequence change falls in intron 56 of the FBN1 gene. It does not directly change the encoded amino acid sequence of the FBN1 protein. This variant is not present in population databases (gnomAD no frequency). This variant has not been reported in the literature in individuals affected with FBN1-related conditions. ClinVar contains an entry for this variant (Variation ID: 3769611). Algorithms developed to predict the effect of sequence changes on RNA splicing suggest that this variant may disrupt the consensus splice site. In summary, the available evidence is currently insufficient to determine the role of this variant in disease. Therefore, it has been classified as a Variant of Uncertain Significance.

Clinical and Biomedical Sciences, University of Exeter
Classification: Pathogenic for Marfan syndrome. Last evaluated: 2025-02-28. Review status: criteria provided, single submitter. Criteria: ACMG Guidelines, 2015. Collection method: research. Allele origin: germline. Affected: yes. Study: 100,000 Genomes Project.
Comment: RT-PCR shows 10bp extension of exon 57, r.6871_6872insaaucaaacag, p.(Asp2291GlufsTer5).

NM_000138.5(FBN1):c.6872-11A>G

Gene: FBN1 (fibrillin 1; minus strand). Cytogenetic location: 15q21.1.
Variant type: single nucleotide variant.
Coding change: c.6872-11A>G on transcript NM_000138.5 (MANE Select); 11 bases into the intron before coding-DNA position 6872, A replaced by G.
Molecular consequence: intron variant.
Genome position (GRCh38, 1-based): chr15:48,428,482, T>C on the plus strand (A>G on the coding strand, the complement: FBN1 is on the minus strand). VCF-style: chr15-48428482-T-C. GRCh37 (hg19) VCF-style: chr15-48720679-T-C.
Other names: c.6872-11A>G (NM_001406716.1).
Identifiers: ClinVar variation 3769611 (VCV003769611.2).